The following is an entry in ClinVar:

NM_020458.4(TTC7A):c.501G>C (p.Glu167Asp)

Gene: TTC7A (tetratricopeptide repeat domain 7A; plus strand). Cytogenetic location: 2p21.
Variant type: single nucleotide variant.
Coding change: c.501G>C on transcript NM_020458.4 (MANE Select); coding-DNA position 501, G replaced by C.
Protein change: p.Glu167Asp; replaces glutamic acid 167 with aspartic acid.
Molecular consequence: missense variant. On other transcripts: 5 prime UTR variant (1).
Genome position (GRCh38, 1-based): chr2:46,956,991, G>C. VCF-style: chr2-46956991-G-C. GRCh37 (hg19) VCF-style: chr2-47184130-G-C.
Other names: c.501G>C, p.Glu167Asp (NM_001288951.2); c.399G>C, p.Glu133Asp (NM_001288953.2); c.-404G>C (NM_001288955.2); short protein forms E133D, E167D.
Identifiers: ClinVar variation 1999319 (VCV001999319.4), dbSNP rs2466284166, ClinGen allele CA346718939.

ClinVar aggregate classification (germline): Uncertain significance (1 of 4 stars; one submission).

Conditions:
Multiple gastrointestinal atresias. Also called: FAMILIAL INTESTINAL POLYATRESIA SYNDROME; Multiple intestinal atresia. Identifiers: Orphanet 2300, MedGen C0220744, MONDO:0009465.

Submission:

Labcorp Genetics (formerly Invitae), Labcorp
Classification: Uncertain significance for Multiple gastrointestinal atresias. Last evaluated: 2022-09-02. Review status: criteria provided, single submitter. Criteria: Invitae Variant Classification Sherloc (09022015). Collection method: clinical testing. Allele origin: germline.
Comment: This sequence change replaces glutamic acid, which is acidic and polar, with aspartic acid, which is acidic and polar, at codon 167 of the TTC7A protein (p.Glu167Asp). This variant is not present in population databases (gnomAD no frequency). This variant has not been reported in the literature in individuals affected with TTC7A-related conditions. Algorithms developed to predict the effect of missense changes on protein structure and function are either unavailable or do not agree on the potential impact of this missense change (SIFT: "Deleterious"; PolyPhen-2: "Benign"; Align-GVGD: "Class C0"). In summary, the available evidence is currently insufficient to determine the role of this variant in disease. Therefore, it has been classified as a Variant of Uncertain Significance.